The following is an entry in ClinVar:

ClinVar aggregate classification (germline): Uncertain significance (1 of 4 stars; one submission).

gnomAD v4.1: 13 of 1,612,082 alleles (0.00081%); highest among the groups gnomAD compares: African/African-American, 0.0013%; no homozygotes.

Submission:

Labcorp Genetics (formerly Invitae), Labcorp
Classification: Uncertain significance. Last evaluated: 2025-09-02. Review status: criteria provided, single submitter. Criteria: Invitae Variant Classification Sherloc (09022015). Collection method: clinical testing. Allele origin: germline.
Comment: This sequence change replaces glutamine, which is neutral and polar, with arginine, which is basic and polar, at codon 390 of the SIRT1 protein (p.Gln390Arg). This variant is not present in population databases (gnomAD no frequency). This variant has not been reported in the literature in individuals affected with SIRT1-related conditions. An algorithm developed to predict the effect of missense changes on protein structure and function (PolyPhen-2) suggests that this variant is likely to be disruptive. In summary, the available evidence is currently insufficient to determine the role of this variant in disease. Therefore, it has been classified as a Variant of Uncertain Significance.

NM_012238.5(SIRT1):c.1169A>G (p.Gln390Arg)

Gene: SIRT1 (sirtuin 1; plus strand). Cytogenetic location: 10q21.3.
Variant type: single nucleotide variant.
Coding change: c.1169A>G on transcript NM_012238.5 (MANE Select); coding-DNA position 1169, A replaced by G.
Protein change: p.Gln390Arg; replaces glutamine 390 with arginine.
Molecular consequence: missense variant.
Genome position (GRCh38, 1-based): chr10:67,908,124, A>G. VCF-style: chr10-67908124-A-G. GRCh37 (hg19) VCF-style: chr10-69667881-A-G.
Other names: c.284A>G, p.Gln95Arg (NM_001142498.2); c.260A>G, p.Gln87Arg (NM_001314049.2); short protein forms Q390R, Q87R, Q95R.
Identifiers: ClinVar variation 4701975 (VCV004701975.1).